The following is an entry in ClinVar:

ClinVar aggregate classification (germline): Uncertain significance (1 of 4 stars; one submission).

gnomAD v4.1: 40 of 1,612,604 alleles (0.0025%); highest among the groups gnomAD compares: South Asian, 0.019%; no homozygotes.

Submission:

Labcorp Genetics (formerly Invitae), Labcorp
Classification: Uncertain significance. Last evaluated: 2024-02-27. Review status: criteria provided, single submitter. Criteria: Invitae Variant Classification Sherloc (09022015). Collection method: clinical testing. Allele origin: germline.
Comment: This sequence change replaces histidine, which is basic and polar, with arginine, which is basic and polar, at codon 633 of the HGF protein (p.His633Arg). This variant is present in population databases (rs746110664, gnomAD 0.02%). This variant has not been reported in the literature in individuals affected with HGF-related conditions. An algorithm developed to predict the effect of missense changes on protein structure and function (PolyPhen-2) suggests that this variant is likely to be tolerated. In summary, the available evidence is currently insufficient to determine the role of this variant in disease. Therefore, it has been classified as a Variant of Uncertain Significance.

NM_000601.6(HGF):c.1898A>G (p.His633Arg)

Gene: HGF (hepatocyte growth factor; minus strand). Cytogenetic location: 7q21.11.
Variant type: single nucleotide variant.
Coding change: c.1898A>G on transcript NM_000601.6 (MANE Select); coding-DNA position 1898, A replaced by G.
Protein change: p.His633Arg; replaces histidine 633 with arginine.
Molecular consequence: missense variant.
Genome position (GRCh38, 1-based): chr7:81,705,502, T>C on the plus strand (A>G on the coding strand, the complement: HGF is on the minus strand). VCF-style: chr7-81705502-T-C. GRCh37 (hg19) VCF-style: chr7-81334818-T-C.
Other names: c.1883A>G, p.His628Arg (NM_001010932.3); short protein forms H633R, H628R.
Identifiers: ClinVar variation 3713778 (VCV003713778.2).
Genomic context (GRCh38, chr7:81,705,502, plus strand): 5'-TTCAGAGTCACCTTCCCTCGATGATGCTGGCTGCATTTCTCATTTCCCATTATATAGAGA[T>C]GTGCCACTCGTAATAGGCCATCATAGTTGATCACTAGATTGATGCAAAAAACATACAATA-3'
Protein context (NP_000592.3, residues 623-643): INYDGLLRVA[His633Arg]LYIMGNEKCS